The following is an entry in ClinVar:

ClinVar aggregate classification (germline): Pathogenic (1 of 4 stars; one submission).

Submission:

Dasa
Classification: Pathogenic. Last evaluated: 2024-10-04. Review status: criteria provided, single submitter. Criteria: DASA Assertion Criteria. Collection method: clinical testing. Allele origin: germline.
Comment: NM_000458.4(HNF1B):c.1046-2A>C introduces a premature termination codon predicted to result in loss of normal protein function. Loss-of-function is an established mechanism of disease for this gene. This variant results in the same amino acid change as a previously established pathogenic variant. This variant has been reported in individuals with related phenotype (PMID: 25700310). The variant is present at low frequency in population datasets. Based on the available data, this variant is classified as pathogenic.

Literature cited by the submitters: PubMed 25700310.

NM_000458.4(HNF1B):c.1046-2A>C

Gene: HNF1B (HNF1 homeobox B; minus strand). Cytogenetic location: 17q12.
Variant type: single nucleotide variant.
Coding change: c.1046-2A>C on transcript NM_000458.4 (MANE Select); the canonical splice acceptor site of the intron before coding-DNA position 1046, A replaced by C.
Molecular consequence: splice acceptor variant.
Genome position (GRCh38, 1-based): chr17:37,710,665, T>G on the plus strand (A>C on the coding strand, the complement: HNF1B is on the minus strand). VCF-style: chr17-37710665-T-G. GRCh37 (hg19) VCF-style: chr17-36070673-T-G.
Other names: c.968-2A>C (NM_001304286.2, NM_001165923.4); c.1046-2A>C (NM_001411100.1).
Identifiers: ClinVar variation 4851943 (VCV004851943.1).
Genomic context (GRCh38, chr17:37,710,665, plus strand): 5'-GTGACTGATTGTTGAGGAGGAAGTGATCTCATTGTTTCCCTGCTGGCTGTAGCGCACTCC[T>G]GCAAAACAACACAAACCCAGTAGGGAACATTAGTGCCACCAGGGTCCTGGAACAATGACT-3'